The following is an entry in ClinVar:

NM_000551.4(VHL):c.77A>G (p.Glu26Gly)

Gene: VHL (von Hippel-Lindau tumor suppressor; plus strand). Cytogenetic location: 3p25.3.
Variant type: single nucleotide variant.
Coding change: c.77A>G on transcript NM_000551.4 (MANE Select); coding-DNA position 77, A replaced by G.
Protein change: p.Glu26Gly; replaces glutamic acid 26 with glycine.
Molecular consequence: missense variant.
Genome position (GRCh38, 1-based): chr3:10,141,924, A>G. VCF-style: chr3-10141924-A-G. GRCh37 (hg19) VCF-style: chr3-10183608-A-G.
Other names: c.77A>G, p.Glu26Gly (NM_001354723.2, NM_198156.3); short protein forms E26G.
Identifiers: ClinVar variation 2184560 (VCV002184560.4), dbSNP rs2125124609, ClinGen allele CA351747453.
Genomic context (GRCh38, chr3:10,141,924, plus strand): 5'-AGAACTGGGACGAGGCCGAGGTAGGCGCGGAGGAGGCAGGCGTCGAAGAGTACGGCCCTG[A>G]AGAAGACGGCGGGGAGGAGTCGGGCGCCGAGGAGTCCGGCCCGGAAGAGTCCGGCCCGGA-3'
Protein context (NP_000542.1, residues 16-36): EEAGVEEYGP[Glu26Gly]EDGGEESGAE

ClinVar aggregate classification (germline): Uncertain significance (1 of 4 stars; one submission).

Conditions:
Chuvash polycythemia. Also called: POLYCYTHEMIA, VHL-DEPENDENT. Identifiers: Orphanet 238557, MedGen C1837915, MONDO:0009892, OMIM 263400.
Von Hippel-Lindau syndrome (VHLS). Also called: VHL syndrome; von Hippel–Lindau syndrome; Von Hippel-Lindau. Identifiers: Orphanet 892, MedGen C0019562, MONDO:0008667, OMIM 193300. Disease mechanism: loss of function.

Submission:

Labcorp Genetics (formerly Invitae), Labcorp
Classification: Uncertain significance for Von Hippel-Lindau syndrome; Chuvash polycythemia. Last evaluated: 2022-06-29. Review status: criteria provided, single submitter. Criteria: Invitae Variant Classification Sherloc (09022015). Collection method: clinical testing. Allele origin: germline.
Comment: In summary, the available evidence is currently insufficient to determine the role of this variant in disease. Therefore, it has been classified as a Variant of Uncertain Significance. Advanced modeling of protein sequence and biophysical properties (such as structural, functional, and spatial information, amino acid conservation, physicochemical variation, residue mobility, and thermodynamic stability) performed at Invitae indicates that this missense variant is not expected to disrupt VHL protein function. This variant has not been reported in the literature in individuals affected with VHL-related conditions. This variant is not present in population databases (gnomAD no frequency). This sequence change replaces glutamic acid, which is acidic and polar, with glycine, which is neutral and non-polar, at codon 26 of the VHL protein (p.Glu26Gly).